The following is an entry in ClinVar:

ClinVar aggregate classification (germline): Uncertain significance (1 of 4 stars; one submission).

Allele frequency attached by ClinVar (database versions not stated): TOPMed below 0.00001; gnomAD 0.00001; gnomAD exomes 0.00001.
gnomAD v4.1: 10 of 1,550,404 alleles (0.00064%); highest among the groups gnomAD compares: Non-Finnish European, 0.00078%; no homozygotes.

Submission:

Labcorp Genetics (formerly Invitae), Labcorp
Classification: Uncertain significance. Last evaluated: 2022-07-05. Review status: criteria provided, single submitter. Criteria: Invitae Variant Classification Sherloc (09022015). Collection method: clinical testing. Allele origin: germline.
Comment: This sequence change replaces arginine, which is basic and polar, with cysteine, which is neutral and slightly polar, at codon 624 of the PDZD7 protein (p.Arg624Cys). The frequency data for this variant in the population databases is considered unreliable, as metrics indicate poor data quality at this position in the gnomAD database. This variant has not been reported in the literature in individuals affected with PDZD7-related conditions. ClinVar contains an entry for this variant (Variation ID: 1519522). Algorithms developed to predict the effect of missense changes on protein structure and function are either unavailable or do not agree on the potential impact of this missense change (SIFT: "Deleterious"; PolyPhen-2: "Not Available"; Align-GVGD: "Class C0"). In summary, the available evidence is currently insufficient to determine the role of this variant in disease. Therefore, it has been classified as a Variant of Uncertain Significance.

NM_001195263.2(PDZD7):c.1870C>T (p.Arg624Cys)

Gene: PDZD7 (PDZ domain containing 7; minus strand). Cytogenetic location: 10q24.31.
Variant type: single nucleotide variant.
Coding change: c.1870C>T on transcript NM_001195263.2 (MANE Select); coding-DNA position 1870, C replaced by T.
Protein change: p.Arg624Cys; replaces arginine 624 with cysteine.
Molecular consequence: missense variant.
Genome position (GRCh38, 1-based): chr10:101,011,988, G>A on the plus strand (C>T on the coding strand, the complement: PDZD7 is on the minus strand). VCF-style: chr10-101011988-G-A. GRCh37 (hg19) VCF-style: chr10-102771745-G-A.
Other names: short protein forms R624C.
Identifiers: ClinVar variation 1519522 (VCV001519522.5), dbSNP rs1335781251, ClinGen allele CA378226326.
Genomic context (GRCh38, chr10:101,011,988, plus strand): 5'-CCCTGCTCTTGAGGGCCTCAAAAGCCTCCAGCTCCACAAGCATCACCATGCTGTCGAAGC[G>A]GCCCAGGTCTGTGGGGGCCACCACACTCCTGGGAGAGGGCGAGAGACAGCAGGGGTGGGA-3'
Protein context (NP_001182192.1, residues 614-634): RSVVAPTDLG[Arg624Cys]FDSMVMLVEL